The following is an entry in ClinVar:

ClinVar aggregate classification (germline): Uncertain significance. Review status: criteria provided, multiple submitters, no conflicts (2 of 4 stars). 3 submissions from 3 submitters: Uncertain significance (3). Last evaluated 2023-05-01.

Conditions:
UDPglucose-4-epimerase deficiency. Also called: UDPglucose 4-Epimerase Deficiency Disease; GALACTOSEMIA III; GALE DEFICIENCY; UDP-GALACTOSE-4-EPIMERASE DEFICIENCY; Galactose epimerase deficiency; Epimerase Deficiency Galactosemia. Identifiers: Orphanet 352, Orphanet 79238, MedGen C0751161, MONDO:0009257, OMIM 230350.

Allele frequency attached by ClinVar (database versions not stated): gnomAD exomes 0.00008; gnomAD 0.00009; ExAC 0.00010; TOPMed 0.00010; 1000 Genomes Project 30x 0.00016; 1000 Genomes Project 0.00020; ESP Exome Variant Server 0.00023.

Submissions (3):

CeGaT Center for Human Genetics Tuebingen
Classification: Uncertain significance. Last evaluated: 2023-05-01. Review status: criteria provided, single submitter. Criteria: CeGaT Center For Human Genetics Tuebingen Variant Classification Criteria Version 2. Collection method: clinical testing. Allele origin: germline. Affected: yes. Observed: 1 variant allele.
Comment: GALE: PM3, PM2:Supporting, PP3

Labcorp Genetics (formerly Invitae), Labcorp
Classification: Uncertain significance for UDPglucose-4-epimerase deficiency. Last evaluated: 2022-09-07. Review status: criteria provided, single submitter. Criteria: Invitae Variant Classification Sherloc (09022015). Collection method: clinical testing. Allele origin: germline.
Comment: This sequence change replaces isoleucine, which is neutral and non-polar, with threonine, which is neutral and polar, at codon 252 of the GALE protein (p.Ile252Thr). This variant is present in population databases (rs148834880, gnomAD 0.01%). This variant has not been reported in the literature in individuals affected with GALE-related conditions. ClinVar contains an entry for this variant (Variation ID: 199015). Algorithms developed to predict the effect of missense changes on protein structure and function are either unavailable or do not agree on the potential impact of this missense change (SIFT: "Deleterious"; PolyPhen-2: "Benign"; Align-GVGD: "Class C25"). In summary, the available evidence is currently insufficient to determine the role of this variant in disease. Therefore, it has been classified as a Variant of Uncertain Significance.

Eurofins Ntd Llc (ga)
Classification: Uncertain significance. Last evaluated: 2017-05-02. Review status: criteria provided, single submitter. Criteria: EGL Classification Definitions 2015. Collection method: clinical testing. Allele origin: germline. Observed: 2 variant alleles, 2 heterozygotes.

Literature cited by the submitters: PubMed 23644136 (cited by Eurofins Ntd Llc (ga)).

NM_001008216.2(GALE):c.755T>C (p.Ile252Thr)

Gene: GALE (UDP-galactose-4-epimerase; minus strand). Cytogenetic location: 1p36.11.
Variant type: single nucleotide variant.
Coding change: c.755T>C on transcript NM_001008216.2 (MANE Select); coding-DNA position 755, T replaced by C.
Protein change: p.Ile252Thr; replaces isoleucine 252 with threonine.
Molecular consequence: missense variant.
Genome position (GRCh38, 1-based): chr1:23,796,737, A>G on the plus strand (T>C on the coding strand, the complement: GALE is on the minus strand). VCF-style: chr1-23796737-A-G. GRCh37 (hg19) VCF-style: chr1-24123227-A-G.
Other names: c.755T>C, p.Ile252Thr (NM_000403.4, NM_001127621.2); short protein forms I252T.
Identifiers: ClinVar variation 199015 (VCV000199015.34), dbSNP rs148834880, ClinGen allele CA247972.